The following is an entry in ClinVar:

ClinVar aggregate classification (germline): Pathogenic. Review status: criteria provided, multiple submitters, no conflicts (2 of 4 stars). 2 submissions from 2 submitters: Pathogenic (2). Last evaluated 2022-10-01.

Submissions (2):

CeGaT Center for Human Genetics Tuebingen
Classification: Pathogenic. Last evaluated: 2022-10-01. Review status: criteria provided, single submitter. Criteria: CeGaT Center For Human Genetics Tuebingen Variant Classification Criteria Version 2. Collection method: clinical testing. Allele origin: germline. Affected: yes. Observed: 1 variant allele.
Comment: COL1A1: PS2, PM1, PM2, PP2, PP3

Athena Diagnostics
Classification: Pathogenic. Last evaluated: 2016-10-17. Review status: criteria provided, single submitter. Criteria: Athena Diagnostics Criteria. Collection method: clinical testing. Allele origin: germline.

NM_000088.4(COL1A1):c.868G>C (p.Gly290Arg)

Genes: COL1A1 (collagen type I alpha 1 chain; minus strand), LOC126862586 (CDK7 strongly-dependent group 2 enhancer GRCh37_chr17:48273702-48274901; plus strand). Cytogenetic location: 17q21.33.
Variant type: single nucleotide variant.
Coding change: c.868G>C on transcript NM_000088.4 (MANE Select); coding-DNA position 868, G replaced by C.
Protein change: p.Gly290Arg; replaces glycine 290 with arginine.
Molecular consequence: missense variant.
Genome position (GRCh38, 1-based): chr17:50,196,519, C>G on the plus strand (G>C on the coding strand, the complement: COL1A1 is on the minus strand). VCF-style: chr17-50196519-C-G. GRCh37 (hg19) VCF-style: chr17-48273880-C-G.
Other names: short protein forms G290R.
Identifiers: ClinVar variation 447148 (VCV000447148.30), dbSNP rs1555574410, ClinGen allele CA400222229.